The following is an entry in ClinVar:

ClinVar aggregate classification (germline): Uncertain significance. Review status: criteria provided, multiple submitters, no conflicts (2 of 4 stars). 3 submissions from 3 submitters: Uncertain significance (3). Last evaluated 2023-02-08.

Conditions:
Autosomal recessive limb-girdle muscular dystrophy type 2D (LGMDR3). Also called: DUCHENNE-LIKE AUTOSOMAL RECESSIVE MUSCULAR DYSTROPHY, TYPE 2; MUSCULAR DYSTROPHY, LIMB-GIRDLE, AUTOSOMAL RECESSIVE 3; ADHALINOPATHY, PRIMARY. Identifiers: Orphanet 62, MedGen C2936332, MONDO:0011968, OMIM 608099. Disease mechanism: Affects gamma-sarcoglycan and also disrupts the integrity of the entire sarcoglycan complex..

Allele frequency attached by ClinVar (database versions not stated): gnomAD exomes 0.00001.
gnomAD v4.1: 3 of 1,614,198 alleles (0.00019%); highest among the groups gnomAD compares: Non-Finnish European, 0.00025%; no homozygotes.

Submissions (3):

Genome-Nilou Lab
Classification: Uncertain significance for Autosomal recessive limb-girdle muscular dystrophy type 2D. Last evaluated: 2023-02-08. Review status: criteria provided, single submitter. Criteria: ACMG Guidelines, 2015. Collection method: clinical testing. Allele origin: germline.

Labcorp Genetics (formerly Invitae), Labcorp
Classification: Uncertain significance for Autosomal recessive limb-girdle muscular dystrophy type 2D. Last evaluated: 2022-08-06. Review status: criteria provided, single submitter. Criteria: Invitae Variant Classification Sherloc (09022015). Collection method: clinical testing. Allele origin: germline.
Comment: This sequence change replaces proline, which is neutral and non-polar, with leucine, which is neutral and non-polar, at codon 30 of the SGCA protein (p.Pro30Leu). This variant is present in population databases (no rsID available, gnomAD 0.002%). This missense change has been observed in individual(s) with limb-girdle muscular dystrophy (PMID: 9192266). ClinVar contains an entry for this variant (Variation ID: 285929). Advanced modeling of protein sequence and biophysical properties (such as structural, functional, and spatial information, amino acid conservation, physicochemical variation, residue mobility, and thermodynamic stability) performed at Invitae indicates that this missense variant is not expected to disrupt SGCA protein function. This variant disrupts the p.Pro30 amino acid residue in SGCA. Other variant(s) that disrupt this residue have been determined to be pathogenic (Invitae). This suggests that this residue is clinically significant, and that variants that disrupt this residue are likely to be disease-causing. In summary, the available evidence is currently insufficient to determine the role of this variant in disease. Therefore, it has been classified as a Variant of Uncertain Significance.

Eurofins Ntd Llc (ga)
Classification: Uncertain significance. Last evaluated: 2016-01-22. Review status: criteria provided, single submitter. Criteria: EGL Classification Definitions 2015. Collection method: clinical testing. Allele origin: germline. Observed: 1 variant allele, 1 heterozygote.

Literature cited by the submitters: PubMed 9192266 (cited by Labcorp Genetics (formerly Invitae), Labcorp).

NM_000023.4(SGCA):c.89C>T (p.Pro30Leu)

Gene: SGCA (sarcoglycan alpha; plus strand). Cytogenetic location: 17q21.33.
Variant type: single nucleotide variant.
Coding change: c.89C>T on transcript NM_000023.4 (MANE Select); coding-DNA position 89, C replaced by T.
Protein change: p.Pro30Leu; replaces proline 30 with leucine.
Molecular consequence: missense variant. On other transcripts: non-coding transcript variant (1).
Genome position (GRCh38, 1-based): chr17:50,167,419, C>T. VCF-style: chr17-50167419-C-T. GRCh37 (hg19) VCF-style: chr17-48244780-C-T.
Other names: c.89C>T, p.Pro30Leu (NM_001135697.3); short protein forms P30L.
Identifiers: ClinVar variation 285929 (VCV000285929.7), dbSNP rs886043256, ClinGen allele CA10605299.
Genomic context (GRCh38, chr17:50,167,419, plus strand): 5'-TCCCCACAGTTCTCCTGGCAGGGCTGGGGGACACCGAGGCCCAGCAGACCACGCTACACC[C>T]ACTTGTGGGCCGTGTCTTTGTGCACACCTTGGACCATGAGACGTTTCTGAGCCTTCCTGA-3'
Protein context (NP_000014.1, residues 20-40): DTEAQQTTLH[Pro30Leu]LVGRVFVHTL